The following is an entry in ClinVar:

NM_004168.4(SDHA):c.197T>C (p.Val66Ala)

Gene: SDHA (succinate dehydrogenase complex flavoprotein subunit A; plus strand). Cytogenetic location: 5p15.33.
Variant type: single nucleotide variant.
Coding change: c.197T>C on transcript NM_004168.4 (MANE Select); coding-DNA position 197, T replaced by C.
Protein change: p.Val66Ala; replaces valine 66 with alanine.
Molecular consequence: missense variant.
Genome position (GRCh38, 1-based): chr5:224,406, T>C. VCF-style: chr5-224406-T-C. GRCh37 (hg19) VCF-style: chr5-224521-T-C.
Other names: c.197T>C, p.Val66Ala (NM_001294332.2, NM_001330758.2); short protein forms V66A.
Identifiers: ClinVar variation 5029211 (VCV005029211.1).
Genomic context (GRCh38, chr5:224,406, plus strand): 5'-TTTTTCTTTTCCAGATTTCTGCTCAGTATCCAGTAGTGGATCATGAATTTGATGCAGTGG[T>C]GGTAGGCGCTGGAGGGGCAGGCTTGCGAGCTGCATTTGGCCTTTCTGAGGCAGGGTTTAA-3'
Protein context (NP_004159.2, residues 56-76): PVVDHEFDAV[Val66Ala]VGAGGAGLRA

ClinVar aggregate classification (germline): Uncertain significance (1 of 4 stars; one submission).

Conditions:
Hereditary cancer-predisposing syndrome. Also called: Neoplastic Syndromes, Hereditary; Tumor predisposition; Hereditary neoplastic syndrome; Hereditary Cancer Syndrome. Identifiers: Orphanet 140162, MedGen C0027672, MeSH D009386, MONDO:0015356.

Submission:

Ambry Genetics
Classification: Uncertain significance for Hereditary cancer-predisposing syndrome. Last evaluated: 2026-08-31. Review status: criteria provided, single submitter. Criteria: Ambry Variant Classification Scheme 2023. Collection method: clinical testing. Allele origin: germline.
Comment: The p.V66A variant (also known as c.197T>C), located in coding exon 3 of the SDHA gene, results from a T to C substitution at nucleotide position 197. The valine at codon 66 is replaced by alanine, an amino acid with similar properties. This amino acid position is highly conserved in available vertebrate species. In addition, this alteration is predicted to be deleterious by in silico analysis. Based on the available evidence, the clinical significance of this variant remains unclear.